The following is an entry in ClinVar:

NM_178138.6(LHX3):c.430G>A (p.Asp144Asn)

Gene: LHX3 (LIM homeobox 3; minus strand). Cytogenetic location: 9q34.3.
Variant type: single nucleotide variant.
Coding change: c.430G>A on transcript NM_178138.6 (MANE Select); coding-DNA position 430, G replaced by A.
Protein change: p.Asp144Asn; replaces aspartic acid 144 with asparagine.
Molecular consequence: missense variant.
Genome position (GRCh38, 1-based): chr9:136,199,702, C>T on the plus strand (G>A on the coding strand, the complement: LHX3 is on the minus strand). VCF-style: chr9-136199702-C-T. GRCh37 (hg19) VCF-style: chr9-139091548-C-T.
Other names: c.397G>A, p.Asp133Asn (NM_001363746.1); c.445G>A, p.Asp149Asn (NM_014564.5); short protein forms D149N, D144N, D133N.
Identifiers: ClinVar variation 2182587 (VCV002182587.2), dbSNP rs761373302, ClinGen allele CA5330506.

ClinVar aggregate classification (germline): Uncertain significance. Review status: criteria provided, multiple submitters, no conflicts (2 of 4 stars). 2 submissions from 2 submitters: Uncertain significance (2). Last evaluated 2023-01-16.

Allele frequency attached by ClinVar (database versions not stated): ExAC 0.00001; TOPMed 0.00002; gnomAD 0.00003.

Submissions (2):

Blueprint Genetics
Classification: Uncertain significance. Last evaluated: 2023-01-16. Review status: criteria provided, single submitter. Criteria: ACMG Guidelines, 2015. Collection method: clinical testing. Allele origin: germline.

Labcorp Genetics (formerly Invitae), Labcorp
Classification: Uncertain significance. Last evaluated: 2021-05-01. Review status: criteria provided, single submitter. Criteria: Invitae Variant Classification Sherloc (09022015). Collection method: clinical testing. Allele origin: germline.
Comment: This sequence change replaces aspartic acid with asparagine at codon 149 of the LHX3 protein (p.Asp149Asn). The aspartic acid residue is highly conserved and there is a small physicochemical difference between aspartic acid and asparagine. This variant is present in population databases (rs761373302, ExAC 0.009%). This variant has not been reported in the literature in individuals with LHX3-related conditions. Algorithms developed to predict the effect of missense changes on protein structure and function are either unavailable or do not agree on the potential impact of this missense change (SIFT: "Not Available"; PolyPhen-2: "Probably Damaging"; Align-GVGD: "Not Available"). In summary, the available evidence is currently insufficient to determine the role of this variant in disease. Therefore, it has been classified as a Variant of Uncertain Significance.